The following is an entry in ClinVar:

ClinVar aggregate classification (germline): Pathogenic (1 of 4 stars; one submission).

Conditions:
Ataxia-telangiectasia syndrome (AT). Also called: Ataxia-telangiectasia; AT, COMPLEMENTATION GROUP C; ATAXIA-TELANGIECTASIA, COMPLEMENTATION GROUP A; ATAXIA-TELANGIECTASIA, FRESNO VARIANT; Ataxia-telangiectasia, complementation group E; LOUIS-BAR SYNDROME. Identifiers: Orphanet 100, MedGen C0004135, MONDO:0008840, OMIM 208900.

Submission:

Labcorp Genetics (formerly Invitae), Labcorp
Classification: Pathogenic for Ataxia-telangiectasia syndrome. Last evaluated: 2022-09-13. Review status: criteria provided, single submitter. Criteria: Invitae Variant Classification Sherloc (09022015). Collection method: clinical testing. Allele origin: germline.
Comment: For these reasons, this variant has been classified as Pathogenic. This variant has not been reported in the literature in individuals affected with ATM-related conditions. This variant is not present in population databases (gnomAD no frequency). This sequence change creates a premature translational stop signal (p.Lys29Ilefs*4) in the ATM gene. It is expected to result in an absent or disrupted protein product. Loss-of-function variants in ATM are known to be pathogenic (PMID: 23807571, 25614872).

Literature cited by the submitters: PubMed 23807571; PubMed 25614872.

NM_000051.4(ATM):c.86_89del (p.Lys29fs)

Gene: ATM (ATM serine/threonine kinase; plus strand). Cytogenetic location: 11q22.3.
Variant type: Deletion.
Coding change: c.86_89del on transcript NM_000051.4 (MANE Select); coding-DNA positions 86 to 89, 4 bases deleted (AATT; older notation c.86_89delAATT).
Protein change: p.Lys29fs; shifts the reading frame from lysine 29.
Molecular consequence: frameshift variant.
Genome position (GRCh38, 1-based): chr11:108,227,789-108,227,792, AATT deleted. VCF-style (leftmost placement, unchanged base first): chr11-108227788-AAATT-A. GRCh37 (hg19) VCF-style: chr11-108098515-AAATT-A.
Other names: c.86_89del, p.Lys29fs (NM_001351834.2, NM_001351835.2, NM_001351836.2); short protein forms K29fs.
Identifiers: ClinVar variation 2113057 (VCV002113057.4), dbSNP rs2496894090, ClinGen allele CA2580083031.